The following is an entry in ClinVar:

NM_000463.3(UGT1A1):c.1159C>T (p.Pro387Ser)

Genes: UGT1A (UDP glucuronosyltransferase family 1 member A complex locus; plus strand), UGT1A1 (UDP glucuronosyltransferase family 1 member A1; plus strand), UGT1A10 (UDP glucuronosyltransferase family 1 member A10; plus strand), UGT1A3 (UDP glucuronosyltransferase family 1 member A3; plus strand), UGT1A4 (UDP glucuronosyltransferase family 1 member A4; plus strand) and 5 more. Cytogenetic location: 2q37.1.
Variant type: single nucleotide variant.
Coding change: c.1159C>T on transcript NM_000463.3 (MANE Select); coding-DNA position 1159, C replaced by T.
Protein change: p.Pro387Ser; replaces proline 387 with serine.
Molecular consequence: missense variant.
Genome position (GRCh38, 1-based): chr2:233,768,294, C>T. VCF-style: chr2-233768294-C-T. GRCh37 (hg19) VCF-style: chr2-234676940-C-T.
Other names: c.1150C>T, p.Pro384Ser (NM_019075.4, NM_019076.5, NM_019077.3 and 1 more transcripts); c.1156C>T, p.Pro386Ser (NM_001072.4); c.355C>T, p.Pro119Ser (NM_205862.3); c.1162C>T, p.Pro388Ser (NM_019078.2, NM_007120.3, NM_019093.4); short protein forms P119S, P384S, P386S, P387S, P388S.
Identifiers: ClinVar variation 3375201 (VCV003375201.1).

ClinVar aggregate classification (germline): Uncertain significance (1 of 4 stars; one submission).

gnomAD v4.1: 4 of 1,614,146 alleles (0.00025%); highest among the groups gnomAD compares: Non-Finnish European, 0.00034%; no homozygotes.

Submission:

Women's Health and Genetics/Laboratory Corporation of America, LabCorp
Classification: Uncertain significance. Last evaluated: 2024-09-25. Review status: criteria provided, single submitter. Criteria: LabCorp Variant Classification Summary - May 2015. Collection method: clinical testing. Allele origin: germline.
Comment: Variant summary: UGT1A1 c.1159C>T (p.Pro387Ser) results in a non-conservative amino acid change in the encoded protein sequence. Five of five in-silico tools predict a damaging effect of the variant on protein function. The variant was absent in 249060 control chromosomes. The available data on variant occurrences in the general population are insufficient to allow any conclusion about variant significance. c.1159C>T has been reported in the literature in a compound heterozygous individual affected with Crigler-Najjar syndrome (Servedio_2005). These data do not allow any conclusion about variant significance. To our knowledge, no experimental evidence demonstrating an impact on protein function has been reported. The following publication have been ascertained in the context of this evaluation (PMID: 15712364). No submitters have cited clinical-significance assessments for this variant to ClinVar. Based on the evidence outlined above, the variant was classified as uncertain significance.

Literature cited by the submitters: PubMed 15712364.